The following is an entry in ClinVar:

ClinVar aggregate classification (germline): Benign. Review status: criteria provided, multiple submitters, no conflicts (2 of 4 stars). 9 submissions from 8 submitters: Benign (9). Last evaluated 2026-02-03.

Conditions:
Cardiomyopathy (CMYO). Also called: Cardiomyopathies. Identifiers: Orphanet 167848, MedGen C0878544, MONDO:0004994, HP:0001638. Inheritance: Various modes of inheritance.
Catecholaminergic polymorphic ventricular tachycardia 1. Also called: VENTRICULAR TACHYCARDIA, CATECHOLAMINERGIC POLYMORPHIC, 1, WITH OR WITHOUT ATRIAL DYSFUNCTION AND/OR DILATED CARDIOMYOPATHY; VENTRICULAR TACHYCARDIA, STRESS-INDUCED POLYMORPHIC 1; RYR2-Related Catecholaminergic Polymorphic Ventricular Tachycardia. Identifiers: Orphanet 3286, MedGen C1631597, MONDO:0011484, OMIM 604772.
Arrhythmogenic right ventricular dysplasia 2. Identifiers: MedGen C1832931.

Allele frequency attached by ClinVar (database versions not stated): gnomAD 0.05390 and 0.05719; ESP Exome Variant Server 0.05571; TOPMed 0.05990; 1000 Genomes Project 0.06390; 1000 Genomes Project 30x 0.06512.
gnomAD v4.1: 17,870 of 1,582,360 alleles (1.1%); highest among the groups gnomAD compares: African/African-American, 19%; 1,391 homozygotes.

Submissions (9):

Labcorp Genetics (formerly Invitae), Labcorp
Classification: Benign for Catecholaminergic polymorphic ventricular tachycardia 1. Last evaluated: 2026-02-03. Review status: criteria provided, single submitter. Criteria: Invitae Variant Classification Sherloc (09022015). Collection method: clinical testing. Allele origin: germline.

Blueprint Genetics
Classification: Benign. Last evaluated: 2024-11-26. Review status: criteria provided, single submitter. Criteria: ACMG Guidelines, 2015. Collection method: clinical testing. Allele origin: germline.

Color Diagnostics, LLC DBA Color Health
Classification: Benign for Cardiomyopathy. Last evaluated: 2018-03-15. Review status: criteria provided, single submitter. Criteria: ACMG Guidelines, 2015. Collection method: clinical testing. Allele origin: germline.

Illumina Laboratory Services, Illumina
Classification: Benign for Catecholaminergic polymorphic ventricular tachycardia 1. Last evaluated: 2018-01-12. Review status: criteria provided, single submitter. Criteria: ICSL Variant Classification Criteria 13 December 2019. Collection method: clinical testing. Allele origin: germline.
Comment: This variant was observed in the ICSL laboratory as part of a predisposition screen in an ostensibly healthy population. It had not been previously curated by ICSL or reported in the Human Gene Mutation Database (HGMD: prior to June 1st, 2018), and was therefore a candidate for classification through an automated scoring system. Utilizing variant allele frequency, disease prevalence and penetrance estimates, and inheritance mode, an automated score was calculated to assess if this variant is too frequent to cause the disease. Based on the score and internal cut-off values, a variant classified as benign is not then subjected to further curation. The score for this variant resulted in a classification of benign for this disease.

Illumina Laboratory Services, Illumina
Classification: Benign for Catecholaminergic polymorphic ventricular tachycardia 1. Last evaluated: 2018-01-12. Review status: criteria provided, single submitter. Criteria: ICSL Variant Classification Criteria 13 December 2019. Collection method: clinical testing. Allele origin: germline.
Comment: the same text as in the submission from Illumina Laboratory Services, Illumina above.

GeneDx
Classification: Benign. Last evaluated: 2015-03-03. Review status: criteria provided, single submitter. Criteria: GeneDx Variant Classification Process June 2021. Collection method: clinical testing. Allele origin: germline. Affected: yes.

Laboratory for Molecular Medicine, Mass General Brigham Personalized Medicine
Classification: Benign. Last evaluated: 2011-12-09. Review status: criteria provided, single submitter. Criteria: LMM Criteria. Collection method: clinical testing. Allele origin: germline. Observed: 108 variant alleles.

Breakthrough Genomics
Classification: Benign. Review status: criteria provided, single submitter. Criteria: ACMG Guidelines, 2015. Collection method: not provided. Allele origin: germline. Inheritance: Autosomal dominant inheritance. Affected: yes.

PreventionGenetics, part of Exact Sciences
Classification: Benign. Review status: criteria provided, single submitter. Criteria: ACMG Guidelines, 2015. Collection method: clinical testing. Allele origin: germline.

NM_001035.3(RYR2):c.4684-11C>T

Gene: RYR2 (ryanodine receptor 2; plus strand). Cytogenetic location: 1q43.
Variant type: single nucleotide variant.
Coding change: c.4684-11C>T on transcript NM_001035.3 (MANE Select); 11 bases into the intron before coding-DNA position 4684, C replaced by T.
Molecular consequence: intron variant.
Genome position (GRCh38, 1-based): chr1:237,610,751, C>T. VCF-style: chr1-237610751-C-T. GRCh37 (hg19) VCF-style: chr1-237774051-C-T.
Identifiers: ClinVar variation 43791 (VCV000043791.24), dbSNP rs7546045, ClinGen allele CA009632.